The following is an entry in ClinVar:

ClinVar aggregate classification (germline): Uncertain significance. Review status: criteria provided, multiple submitters, no conflicts (2 of 4 stars). 2 submissions from 2 submitters: Uncertain significance (2). Last evaluated 2025-09-21.

Conditions:
Cardiovascular phenotype. Identifiers: MedGen CN230736.
Hypertrophic cardiomyopathy. Also called: HYPERTROPHIC MYOCARDIOPATHY. Identifiers: Orphanet 217569, MedGen C0007194, MeSH D002312, MONDO:0005045, HP:0001639.

Allele frequency attached by ClinVar (database versions not stated): TOPMed below 0.00001; gnomAD 0.00001.
gnomAD v4.1: 5 of 1,603,896 alleles (0.00031%); highest among the groups gnomAD compares: Non-Finnish European, 0.00043%; no homozygotes.

Submissions (2):

Ambry Genetics
Classification: Uncertain significance for Cardiovascular phenotype. Last evaluated: 2025-09-21. Review status: criteria provided, single submitter. Criteria: Ambry Variant Classification Scheme 2023. Collection method: clinical testing. Allele origin: germline.
Comment: The p.G142R variant (also known as c.424G>A), located in coding exon 2 of the JPH2 gene, results from a G to A substitution at nucleotide position 424. The glycine at codon 142 is replaced by arginine, an amino acid with dissimilar properties. This amino acid position is conserved. In addition, this alteration is predicted to be deleterious by in silico analysis. Since supporting evidence is limited at this time, the clinical significance of this alteration remains unclear.

Labcorp Genetics (formerly Invitae), Labcorp
Classification: Uncertain significance for Hypertrophic cardiomyopathy. Last evaluated: 2023-06-17. Review status: criteria provided, single submitter. Criteria: Invitae Variant Classification Sherloc (09022015). Collection method: clinical testing. Allele origin: germline.
Comment: In summary, the available evidence is currently insufficient to determine the role of this variant in disease. Therefore, it has been classified as a Variant of Uncertain Significance. An algorithm developed to predict the effect of missense changes on protein structure and function (PolyPhen-2) suggests that this variant is likely to be disruptive. ClinVar contains an entry for this variant (Variation ID: 2185771). This variant has not been reported in the literature in individuals affected with JPH2-related conditions. This variant is not present in population databases (gnomAD no frequency). This sequence change replaces glycine, which is neutral and non-polar, with arginine, which is basic and polar, at codon 142 of the JPH2 protein (p.Gly142Arg).

NM_020433.5(JPH2):c.424G>A (p.Gly142Arg)

Gene: JPH2 (junctophilin 2; minus strand). Cytogenetic location: 20q13.12.
Variant type: single nucleotide variant.
Coding change: c.424G>A on transcript NM_020433.5 (MANE Select); coding-DNA position 424, G replaced by A.
Protein change: p.Gly142Arg; replaces glycine 142 with arginine.
Molecular consequence: missense variant.
Genome position (GRCh38, 1-based): chr20:44,160,363, C>T on the plus strand (G>A on the coding strand, the complement: JPH2 is on the minus strand). VCF-style: chr20-44160363-C-T. GRCh37 (hg19) VCF-style: chr20-42789003-C-T.
Other names: short protein forms G142R.
Identifiers: ClinVar variation 2185771 (VCV002185771.6), dbSNP rs765874503, ClinGen allele CA409094408.